The following is an entry in ClinVar:

NM_018489.3(ASH1L):c.160C>T (p.Arg54Ter)

Gene: ASH1L (ASH1 like histone lysine methyltransferase; minus strand). Cytogenetic location: 1q22.
Variant type: single nucleotide variant.
Coding change: c.160C>T on transcript NM_018489.3 (MANE Select); coding-DNA position 160, C replaced by T.
Protein change: p.Arg54Ter; replaces arginine 54 with a stop codon.
Molecular consequence: nonsense.
Genome position (GRCh38, 1-based): chr1:155,521,360, G>A on the plus strand (C>T on the coding strand, the complement: ASH1L is on the minus strand). VCF-style: chr1-155521360-G-A. GRCh37 (hg19) VCF-style: chr1-155491151-G-A.
Other names: c.160C>T, p.Arg54Ter (NM_001366177.2); short protein forms R54*.
Identifiers: ClinVar variation 2497754 (VCV002497754.2), dbSNP rs1668875104, ClinGen allele CA342715622.

ClinVar aggregate classification (germline): Likely pathogenic (1 of 4 stars; one submission).

Submission:

GeneDx
Classification: Likely pathogenic. Last evaluated: 2025-09-09. Review status: criteria provided, single submitter. Criteria: GeneDx Variant Classification Process June 2021. Collection method: clinical testing. Allele origin: germline.
Comment: Has not been previously published in association with ASH1L-related disorder to our knowledge; Nonsense variant predicted to result in protein truncation or nonsense mediated decay in a gene for which loss of function is a known mechanism of disease; Not observed at significant frequency in large population cohorts (gnomAD); This variant is associated with the following publications: (PMID: 36475376)